The following is an entry in ClinVar:

NM_139076.3(ABRAXAS1):c.424G>C (p.Glu142Gln)

Gene: ABRAXAS1 (abraxas 1, BRCA1 A complex subunit; minus strand). Cytogenetic location: 4q21.23.
Variant type: single nucleotide variant.
Coding change: c.424G>C on transcript NM_139076.3 (MANE Select); coding-DNA position 424, G replaced by C.
Protein change: p.Glu142Gln; replaces glutamic acid 142 with glutamine.
Molecular consequence: missense variant.
Genome position (GRCh38, 1-based): chr4:83,470,255, C>G on the plus strand (G>C on the coding strand, the complement: ABRAXAS1 is on the minus strand). VCF-style: chr4-83470255-C-G. GRCh37 (hg19) VCF-style: chr4-84391408-C-G.
Other names: c.97G>C, p.Glu33Gln (NM_001345962.2); short protein forms E142Q, E33Q.
Identifiers: ClinVar variation 1800181 (VCV001800181.3), dbSNP rs756455229, ClinGen allele CA2990556.
Genomic context (GRCh38, chr4:83,470,255, plus strand): 5'-ACATTTACCCTTTTTGAGGTTTATATAAGGAATGTTCCAGTCGATGAGTAGAGCAGCTTT[C>G]TGTTATTATACTTGGTGTTAATAGCAGAAAAACAAGGTCTTGGTTTGAAAAATGCTCCTG-3'
Protein context (NP_620775.2, residues 132-152): FLLLTPSIIT[Glu142Gln]SCSTHRLEHS

ClinVar aggregate classification (germline): Uncertain significance (1 of 4 stars; one submission).

Allele frequency attached by ClinVar (database versions not stated): gnomAD exomes below 0.00001; ExAC 0.00001.
gnomAD v4.1: 1 of 1,613,766 alleles (0.000062%); highest among the groups gnomAD compares: Admixed American, 0.0017%; no homozygotes.

Submission:

Ambry Genetics
Classification: Uncertain significance. Last evaluated: 2025-06-15. Review status: criteria provided, single submitter. Criteria: Ambry Variant Classification Scheme 2023. Collection method: clinical testing. Allele origin: germline.
Comment: The p.E142Q variant (also known as c.424G>C), located in coding exon 5 of the FAM175A gene, results from a G to C substitution at nucleotide position 424. The glutamic acid at codon 142 is replaced by glutamine, an amino acid with highly similar properties. This amino acid position is conserved. In addition, this alteration is predicted to be tolerated by in silico analysis. Since supporting evidence is limited at this time, the clinical significance of this alteration remains unclear.